The following is an entry in ClinVar:

ClinVar aggregate classification (germline): Uncertain significance (1 of 4 stars; one submission).

gnomAD v4.1: 4 of 1,614,086 alleles (0.00025%); highest among the groups gnomAD compares: Non-Finnish European, 0.00034%; no homozygotes.

Submission:

Labcorp Genetics (formerly Invitae), Labcorp
Classification: Uncertain significance. Last evaluated: 2025-10-23. Review status: criteria provided, single submitter. Criteria: Invitae Variant Classification Sherloc (09022015). Collection method: clinical testing. Allele origin: germline.
Comment: This sequence change replaces methionine, which is neutral and non-polar, with threonine, which is neutral and polar, at codon 465 of the OTOA protein (p.Met465Thr). This variant is not present in population databases (gnomAD no frequency). This variant has not been reported in the literature in individuals affected with OTOA-related conditions. An algorithm developed to predict the effect of missense changes on protein structure and function (PolyPhen-2) suggests that this variant is likely to be disruptive. In summary, the available evidence is currently insufficient to determine the role of this variant in disease. Therefore, it has been classified as a Variant of Uncertain Significance.

NM_144672.4(OTOA):c.1394T>C (p.Met465Thr)

Gene: OTOA (otoancorin). Cytogenetic location: 16p12.2.
Variant type: single nucleotide variant.
Coding change: c.1394T>C on transcript NM_144672.4 (MANE Select); coding-DNA position 1394, T replaced by C.
Protein change: p.Met465Thr; replaces methionine 465 with threonine.
Molecular consequence: missense variant.
Genome position (GRCh38, 1-based): chr16:21,715,058, T>C. VCF-style: chr16-21715058-T-C. GRCh37 (hg19) VCF-style: chr16-21726379-T-C.
Other names: c.1157T>C, p.Met386Thr (NM_001161683.2); c.422T>C, p.Met141Thr (NM_170664.3); short protein forms M141T, M386T, M465T.
Identifiers: ClinVar variation 4770106 (VCV004770106.1).